The following is an entry in ClinVar:

ClinVar aggregate classification (germline): Uncertain significance (1 of 4 stars; one submission).

Conditions:
Generalized epilepsy-paroxysmal dyskinesia syndrome (PNKD3). Also called: Generalized epilepsy and paroxysmal dyskinesia; Paroxysmal nonkinesigenic dyskinesia, 3, with or without generalized epilepsy. Identifiers: Orphanet 79137, MedGen C5574945, MONDO:0012276, OMIM 609446.

Submission:

Labcorp Genetics (formerly Invitae), Labcorp
Classification: Uncertain significance for Generalized epilepsy-paroxysmal dyskinesia syndrome. Last evaluated: 2019-09-06. Review status: criteria provided, single submitter. Criteria: Invitae Variant Classification Sherloc (09022015). Collection method: clinical testing. Allele origin: germline.
Comment: In summary, the available evidence is currently insufficient to determine the role of this variant in disease. Therefore, it has been classified as a Variant of Uncertain Significance. Algorithms developed to predict the effect of sequence changes on RNA splicing suggest that this variant may create or strengthen a splice site, but this prediction has not been confirmed by published transcriptional studies. Algorithms developed to predict the effect of missense changes on protein structure and function are either unavailable or do not agree on the potential impact of this missense change (SIFT: "Deleterious"; PolyPhen-2: "Benign"; Align-GVGD: "Class C0"). This variant has not been reported in the literature in individuals with KCNMA1-related conditions. This variant is not present in population databases (ExAC no frequency). This sequence change replaces histidine with arginine at codon 836 of the KCNMA1 protein (p.His836Arg). The histidine residue is highly conserved and there is a small physicochemical difference between histidine and arginine.

NM_001161352.2(KCNMA1):c.2681A>G (p.His894Arg)

Genes: KCNMA1 (potassium calcium-activated channel subfamily M alpha 1; minus strand), KCNMA1-AS1 (KCNMA1 antisense RNA 1; plus strand). Cytogenetic location: 10q22.3.
Variant type: single nucleotide variant.
Coding change: c.2681A>G on transcript NM_001161352.2 (MANE Select); coding-DNA position 2681, A replaced by G.
Protein change: p.His894Arg; replaces histidine 894 with arginine.
Molecular consequence: missense variant.
Genome position (GRCh38, 1-based): chr10:76,949,170, T>C on the plus strand (A>G on the coding strand, the complement: KCNMA1 is on the minus strand). VCF-style: chr10-76949170-T-C. GRCh37 (hg19) VCF-style: chr10-78708928-T-C.
Other names: c.2516A>G, p.His839Arg (NM_001322829.2, NM_001322836.2, NM_001271519.2); c.2528A>G, p.His843Arg (NM_001322830.2); c.2507A>G, p.His836Arg (NM_001322832.2, NM_002247.4); c.2519A>G, p.His840Arg (NM_001322835.2, NM_001322837.2, NM_001014797.3); c.2054A>G, p.His685Arg (NM_001322838.2); c.2630A>G, p.His877Arg (NM_001161353.2); c.2357A>G, p.His786Arg (NM_001271518.2); short protein forms H685R, H836R, H786R, H839R, H843R, H877R, H840R, H894R.
Identifiers: ClinVar variation 956494 (VCV000956494.10), dbSNP rs2065325262, ClinGen allele CA377406118.